The following is an entry in ClinVar:

NM_012431.3(SEMA3E):c.1259A>G (p.Lys420Arg)

Gene: SEMA3E (semaphorin 3E; minus strand). Cytogenetic location: 7q21.11.
Variant type: single nucleotide variant.
Coding change: c.1259A>G on transcript NM_012431.3 (MANE Select); coding-DNA position 1259, A replaced by G.
Protein change: p.Lys420Arg; replaces lysine 420 with arginine.
Molecular consequence: missense variant.
Genome position (GRCh38, 1-based): chr7:83,400,135, T>C on the plus strand (A>G on the coding strand, the complement: SEMA3E is on the minus strand). VCF-style: chr7-83400135-T-C. GRCh37 (hg19) VCF-style: chr7-83029451-T-C.
Other names: c.1079A>G, p.Lys360Arg (NM_001178129.2); c.1259A>G (NM_012431.2); short protein forms K360R, K420R.
Identifiers: ClinVar variation 1987120 (VCV001987120.6), dbSNP rs1015201578, ClinGen allele CA161167056.

ClinVar aggregate classification (germline): Uncertain significance. Review status: criteria provided, multiple submitters, no conflicts (2 of 4 stars). 3 submissions from 3 submitters: Uncertain significance (2). 1 of the submissions does not count toward it. Last evaluated 2025-12-03.

Conditions:
SEMA3E-related disorder. Also called: SEMA3E-related condition.
CHARGE syndrome (CHARGE). Also called: Hittner Hirsch Kreh syndrome; CHARGE ASSOCIATION--COLOBOMA, HEART ANOMALY, CHOANAL ATRESIA, RETARDATION, GENITAL AND EAR ANOMALIES; Coloboma, heart anomaly, choanal atresia, retardation, genital and ear anomalies; CHARGE association; Hall-Hittner syndrome. Identifiers: Orphanet 138, MedGen C0265354, MONDO:0008965.

Allele frequency attached by ClinVar (database versions not stated): gnomAD exomes 0.00001; TOPMed 0.00003.
gnomAD v4.1: 3 of 1,614,074 alleles (0.00019%); highest among the groups gnomAD compares: Admixed American, 0.005%; no homozygotes.

Submissions (3):

Labcorp Genetics (formerly Invitae), Labcorp
Classification: Uncertain significance for CHARGE syndrome. Last evaluated: 2025-12-03. Review status: criteria provided, single submitter. Criteria: Invitae Variant Classification Sherloc (09022015). Collection method: clinical testing. Allele origin: germline.
Comment: This sequence change replaces lysine, which is basic and polar, with arginine, which is basic and polar, at codon 420 of the SEMA3E protein (p.Lys420Arg). This variant is present in population databases (no rsID available, gnomAD 0.009%). This variant has not been reported in the literature in individuals affected with SEMA3E-related conditions. ClinVar contains an entry for this variant (Variation ID: 1987120). Invitae Evidence Modeling of protein sequence and biophysical properties (such as structural, functional, and spatial information, amino acid conservation, physicochemical variation, residue mobility, and thermodynamic stability) indicates that this missense variant is not expected to disrupt SEMA3E protein function with a negative predictive value of 80%. In summary, the available evidence is currently insufficient to determine the role of this variant in disease. Therefore, it has been classified as a Variant of Uncertain Significance.

Ambry Genetics
Classification: Uncertain significance. Last evaluated: 2025-02-27. Review status: criteria provided, single submitter. Criteria: Ambry Variant Classification Scheme 2023. Collection method: clinical testing. Allele origin: germline.

PreventionGenetics, part of Exact Sciences
Classification: Uncertain significance for SEMA3E-related condition. Last evaluated: 2024-06-27. Review status: no assertion criteria provided. Collection method: clinical testing. Allele origin: germline. Not counted in ClinVar's aggregate classification.
Comment: The SEMA3E c.1259A>G variant is predicted to result in the amino acid substitution p.Lys420Arg. To our knowledge, this variant has not been reported in the literature. This variant is reported in 0.0087% of alleles in individuals of Latino descent in gnomAD. At this time, the clinical significance of this variant is uncertain due to the absence of conclusive functional and genetic evidence.